The following is an entry in ClinVar:

NM_013275.6(ANKRD11):c.7535G>A (p.Arg2512Gln)

Gene: ANKRD11 (ankyrin repeat domain 11; minus strand). Cytogenetic location: 16q24.3.
Variant type: single nucleotide variant.
Coding change: c.7535G>A on transcript NM_013275.6 (MANE Select); coding-DNA position 7535, G replaced by A.
Protein change: p.Arg2512Gln; replaces arginine 2512 with glutamine.
Molecular consequence: missense variant.
Genome position (GRCh38, 1-based): chr16:89,275,127, C>T on the plus strand (G>A on the coding strand, the complement: ANKRD11 is on the minus strand). VCF-style: chr16-89275127-C-T. GRCh37 (hg19) VCF-style: chr16-89341535-C-T.
Other names: NP_037407.4:p.(Arg2512Gln); c.7535G>A, p.Arg2512Gln (NM_001256182.2, NM_001256183.2); c.7535G>A (NM_013275.4); short protein forms R2512Q.
Identifiers: ClinVar variation 932137 (VCV000932137.14), dbSNP rs2033535934, ClinGen allele CA397147848.
Genomic context (GRCh38, chr16:89,275,127, plus strand): 5'-CCCCCTGCCTGTGCCAGCCCACTTACCCGCTCGATGCTGTGCTGTAGACGCAGCTTTCCC[C>T]GGACGGCCTCCTGCTGCCTGAACAGCTCCTTCAGGGGCTCCGCCAGGGAGGGAGGGGGTG-3'
Protein context (NP_037407.4, residues 2502-2522): KELFRQQEAV[Arg2512Gln]GKLRLQHSIE

ClinVar aggregate classification (germline): Pathogenic/Likely pathogenic. Review status: criteria provided, multiple submitters, no conflicts (2 of 4 stars). 8 submissions from 8 submitters: Pathogenic (5); Likely pathogenic (3). Last evaluated 2026-07-05.

Conditions:
KBG syndrome (KBGS). Also called: ANKRD11-Related KBG Syndrome. Identifiers: Orphanet 2332, MedGen C0220687, MONDO:0007846, OMIM 148050.
Inborn genetic diseases. Identifiers: MedGen C0950123, MeSH D030342.

Submissions (8):

Umrani?ye Training and Research Hospital
Classification: Likely pathogenic for KBG syndrome. Last evaluated: 2026-07-05. Review status: criteria provided, single submitter. Criteria: ACMG Guidelines, 2015. Collection method: clinical testing. Allele origin: germline. Inheritance: Autosomal dominant inheritance. Affected: yes.
Comment: PM1 (C-terminal degron), PM2, PP3 (in-silico deleterious; AlphaMissense 0.96)

Dasa
Classification: Pathogenic. Last evaluated: 2025-11-06. Review status: criteria provided, single submitter. Criteria: DASA Assertion Criteria. Collection method: clinical testing. Allele origin: germline.
Comment: NM_013275.6(ANKRD11):c.7535G>A (p.Arg2512Gln) is a missense variant that results in the substitution of arginine with glutamine. The affected residue or protein region has prior evidence supporting clinical relevance. De novo occurrence has been reported in an individual with related phenotype. Functional evidence supports a deleterious effect on the gene or gene product (PMID: 27605097; PMID: 35346031; PMID: 35970914; PMID: 37471090; PMID: 38259611). This variant has been recurrently observed in individuals with related phenotype (PMID: 27605097; PMID: 35346031; PMID: 35970914; PMID: 37471090; PMID: 38259611). Multiple computational predictions support a deleterious effect on the gene or gene product. The variant is present at low frequency in population datasets. Based on the available data, this variant is classified as pathogenic.

Ambry Genetics
Classification: Pathogenic for Inborn genetic diseases. Last evaluated: 2023-08-30. Review status: criteria provided, single submitter. Criteria: Ambry Variant Classification Scheme 2023. Collection method: clinical testing. Allele origin: germline.
Comment: The c.7535G>A (p.R2512Q) alteration is located in exon 10 (coding exon 8) of the ANKRD11 gene. This alteration results from a G to A substitution at nucleotide position 7535, causing the arginine (R) at amino acid position 2512 to be replaced by a glutamine (Q). This variant was not reported in population-based cohorts in the Genome Aggregation Database (gnomAD). This variant has been determined to be the result of a de novo mutation in two individuals with features consistent with KBG syndrome (Walz, 2015; de Boer, 2022). Two other alterations at the same codon, c.7534C>T (p.R2512W) and c.7535G>T (p.R2512L), have been described (de Boer, 2022). This amino acid position is highly conserved in available vertebrate species. This missense alteration is located in a region that has a low rate of benign missense variation (Lek, 2016; Firth, 2009). This variant is indicated to disrupt a critical functional motif (Walz, 2015). The in silico prediction for this alteration is inconclusive. Based on the available evidence, this alteration is classified as pathogenic.

Centre of Medical Genetics, University Hospital Muenster
Classification: Likely pathogenic. Last evaluated: 2023-01-05. Review status: criteria provided, single submitter. Criteria: ACMG Guidelines, 2015. Collection method: clinical testing. Allele origin: unknown. Affected: yes. Observed: 1 variant allele, 1 heterozygote.
Comment: ACMG categories: PM1,PM2,PM5,PP3,PP5,BP1

GeneDx
Classification: Pathogenic. Last evaluated: 2021-12-30. Review status: criteria provided, single submitter. Criteria: GeneDx Variant Classification Process June 2021. Collection method: clinical testing. Allele origin: germline. Affected: yes.
Comment: Not observed at significant frequency in large population cohorts (Lek et al., 2016); In silico analysis supports that this missense variant has a deleterious effect on protein structure/function; This variant is associated with the following publications: (PMID: 27605097, 26633542, 25413698)

3billion
Classification: Pathogenic for KBG syndrome. Last evaluated: 2021-10-02. Review status: criteria provided, single submitter. Criteria: ACMG Guidelines, 2015. Collection method: clinical testing. Allele origin: unknown. Affected: yes. Observed: 1 heterozygote.
Comment: Same nucleotide change resulting in same amino acid change has been previously reported as de novoo in similarly affected unrelated individuals (PMID: 25413698, PS2, PS4_M). It is not observed in the gnomAD v2.1.1 dataset (PM2). A different missense change at the same codon (p.Arg2512Trp) has been reported as pathogenic (PMID: 25413698, PM5). In silico tool predictions suggest damaging effect of the variant on gene or gene product (REVEL: 0.834, 3Cnet: 0.888, PP3). Therefore, this variant is classified as pathogenic according to the recommendation of ACMG/AMP guideline.

Institute of Medical Genetics and Applied Genomics, University Hospital Tübingen
Classification: Pathogenic. Last evaluated: 2020-10-23. Review status: criteria provided, single submitter. Criteria: ACMG Guidelines, 2015. Collection method: clinical testing. Allele origin: germline. Inheritance: Unknown mechanism. Affected: yes.

Centre for Mendelian Genomics, University Medical Centre Ljubljana
Classification: Likely pathogenic for KBG syndrome. Last evaluated: 2019-06-23. Review status: criteria provided, single submitter. Criteria: ACMG Guidelines, 2015. Collection method: clinical testing. Allele origin: unknown. Affected: yes.
Comment: This variant was classified as: Likely pathogenic. The following ACMG criteria were applied in classifying this variant: PM1,PM2,PP3,PP5.

Literature cited by the submitters: PubMed 42808190 (cited by Umrani?ye Training and Research Hospital); PubMed 27605097 (cited by Dasa); PubMed 35346031 (cited by Dasa); PubMed 35970914 (cited by Dasa); PubMed 37471090 (cited by Dasa); PubMed 38259611 (cited by Dasa); PubMed 37658852 (cited by Dasa); PubMed 25413698 (cited by 3 submitters); PubMed 35833929 (cited by Ambry Genetics); PubMed 26633542 (cited by 3billion).